The following is an entry in ClinVar:

NM_001020658.2(PUM1):c.1018A>C (p.Met340Leu)

Gene: PUM1 (pumilio RNA binding family member 1; minus strand). Cytogenetic location: 1p35.2.
Variant type: single nucleotide variant.
Coding change: c.1018A>C on transcript NM_001020658.2 (MANE Select); coding-DNA position 1018, A replaced by C.
Protein change: p.Met340Leu; replaces methionine 340 with leucine.
Molecular consequence: missense variant.
Genome position (GRCh38, 1-based): chr1:30,992,530, T>G on the plus strand (A>C on the coding strand, the complement: PUM1 is on the minus strand). VCF-style: chr1-30992530-T-G. GRCh37 (hg19) VCF-style: chr1-31465377-T-G.
Other names: c.1018A>C, p.Met340Leu (NM_014676.3); short protein forms M340L.
Identifiers: ClinVar variation 3041155 (VCV003041155.2), dbSNP rs148358387, ClinGen allele CA729314.
Genomic context (GRCh38, chr1:30,992,530, plus strand): 5'-ACTGAAGAGGCTCCATGCCCACATGTTCCATGGGGTCCAAGGGGACACTCTGGGACTCCA[T>G]GTTGGAGAAATCCTCCACAGGCTTGGCACCATTGGTGCTGGTCAGCTGGGCTAAGCCCTC-3'
Protein context (NP_001018494.1, residues 330-350): GAKPVEDFSN[Met340Leu]ESQSVPLDPM

ClinVar aggregate classification (germline): Benign (0 of 4 stars; one submission).

Conditions:
PUM1-related disorder. Also called: PUM1-related disorders; PUM1-related condition.

Allele frequency attached by ClinVar (database versions not stated): 1000 Genomes Project 30x 0.00016; 1000 Genomes Project 0.00020; TOPMed 0.00061; ESP Exome Variant Server 0.00069; ExAC 0.00078.
gnomAD v4.1: 855 of 1,614,244 alleles (0.053%); highest among the groups gnomAD compares: Non-Finnish European, 0.011%; 6 homozygotes.

Submission:

PreventionGenetics, part of Exact Sciences
Classification: Benign for PUM1-related condition. Last evaluated: 2019-09-18. Review status: no assertion criteria provided. Collection method: clinical testing. Allele origin: germline.
Comment: This variant is classified as benign based on ACMG/AMP sequence variant interpretation guidelines (Richards et al. 2015 PMID: 25741868, with internal and published modifications).